The following is an entry in ClinVar:

ClinVar aggregate classification (germline): Uncertain significance. Review status: criteria provided, multiple submitters, no conflicts (2 of 4 stars). 2 submissions from 2 submitters: Uncertain significance (2). Last evaluated 2026-01-12.

Conditions:
Hypertrophic cardiomyopathy. Also called: HYPERTROPHIC MYOCARDIOPATHY. Identifiers: Orphanet 217569, MedGen C0007194, MeSH D002312, MONDO:0005045, HP:0001639.

Allele frequency attached by ClinVar (database versions not stated): gnomAD exomes below 0.00001; TOPMed 0.00001.
gnomAD v4.1: 1 of 1,601,920 alleles (0.000062%); highest among the groups gnomAD compares: Non-Finnish European, 0.000086%; no homozygotes.

Submissions (2):

Dasa
Classification: Uncertain significance. Last evaluated: 2026-01-12. Review status: criteria provided, single submitter. Criteria: DASA Assertion Criteria. Collection method: clinical testing. Allele origin: germline.
Comment: NM_016203.4(PRKAG2):c.943G>A (p.Val315Ile) is a missense variant that results in the substitution of valine with isoleucine. This variant is rare in population databases. The currently available literature and clinical evidence are not sufficient to establish a definitive association between this variant and the reported condition. Therefore, this variant is classified as a variant of uncertain significance.

All of Us Research Program, National Institutes of Health
Classification: Uncertain significance for Hypertrophic cardiomyopathy. Last evaluated: 2023-03-04. Review status: criteria provided, single submitter. Criteria: ACMG Guidelines, 2015. Collection method: clinical testing. Allele origin: germline. Inheritance: Autosomal dominant inheritance. Observed: 1 variant allele, 1 heterozygote.
Comment: This study involves interpretation of variants in research participants for the purpose of population health screening. Participant phenotype was not available at the time of variant classification. Additional details can be found in publication PMID: 35346344, PMCID: PMC8962531

NM_016203.4(PRKAG2):c.943G>A (p.Val315Ile)

Gene: PRKAG2 (protein kinase AMP-activated non-catalytic subunit gamma 2; minus strand). Cytogenetic location: 7q36.1.
Variant type: single nucleotide variant.
Coding change: c.943G>A on transcript NM_016203.4 (MANE Select); coding-DNA position 943, G replaced by A.
Protein change: p.Val315Ile; replaces valine 315 with isoleucine.
Molecular consequence: missense variant.
Genome position (GRCh38, 1-based): chr7:151,576,374, C>T on the plus strand (G>A on the coding strand, the complement: PRKAG2 is on the minus strand). VCF-style: chr7-151576374-C-T. GRCh37 (hg19) VCF-style: chr7-151273460-C-T.
Other names: c.811G>A, p.Val271Ile (NM_001040633.2, NM_001407024.1); c.568G>A, p.Val190Ile (NM_001304527.2, NM_001407029.1); c.220G>A, p.Val74Ile (NM_001304531.2, NM_024429.2, NM_001407034.1 and 1 more transcripts); c.571G>A, p.Val191Ile (NM_001363698.2, NM_001407028.1); c.943G>A, p.Val315Ile (NM_001407021.1); c.940G>A, p.Val314Ile (NM_001407022.1, NM_001407023.1); c.808G>A, p.Val270Ile (NM_001407026.1, NM_001407027.1); c.217G>A, p.Val73Ile (NM_001407036.1, NM_001407039.1, NM_001407040.1); and 6 more; short protein forms V190I, V191I, V207I, V209I, V218I, V219I, V270I, V271I.
Identifiers: ClinVar variation 3069601 (VCV003069601.3), dbSNP rs1808925527, ClinGen allele CA370072367.